The following is an entry in ClinVar:

NM_001457.4(FLNB):c.637C>T (p.Gln213Ter)

Gene: FLNB (filamin B; plus strand). Cytogenetic location: 3p14.3.
Variant type: single nucleotide variant.
Coding change: c.637C>T on transcript NM_001457.4 (MANE Select); coding-DNA position 637, C replaced by T.
Protein change: p.Gln213Ter; replaces glutamine 213 with a stop codon.
Molecular consequence: nonsense.
Genome position (GRCh38, 1-based): chr3:58,078,812, C>T. VCF-style: chr3-58078812-C-T. GRCh37 (hg19) VCF-style: chr3-58064539-C-T.
Other names: c.637C>T, p.Gln213Ter (NM_001164317.2, NM_001164318.2, NM_001164319.2); short protein forms Q213*.
Identifiers: ClinVar variation 2629167 (VCV002629167.1), dbSNP rs2470996560, ClinGen allele CA353333968.

ClinVar aggregate classification (germline): Likely pathogenic (1 of 4 stars; one submission).

Conditions:
FLNB-related disorder. Also called: FLNB-related condition; FLNB-related disorders. Identifiers: MedGen CN381095.

Allele frequency attached by ClinVar (database versions not stated): gnomAD exomes below 0.00001.
gnomAD v4.1: 2 of 1,610,658 alleles (0.00012%); highest among the groups gnomAD compares: African/African-American, 0.0013%; no homozygotes.

Submission:

PreventionGenetics, part of Exact Sciences
Classification: Likely pathogenic for FLNB-related condition. Last evaluated: 2023-05-18. Review status: criteria provided, single submitter. Criteria: ACMG Guidelines, 2015. Collection method: clinical testing. Allele origin: germline.
Comment: The FLNB c.637C>T variant is predicted to result in premature protein termination (p.Gln213*). To our knowledge, this variant has not been reported in the literature or in a large population database, indicating this variant is rare. Nonsense variants in FLNB are expected to be pathogenic. This variant is interpreted as likely pathogenic.